The following is an entry in ClinVar:

NM_001376.5(DYNC1H1):c.2981T>C (p.Leu994Pro)

Gene: DYNC1H1 (dynein cytoplasmic 1 heavy chain 1; plus strand). Cytogenetic location: 14q32.31.
Variant type: single nucleotide variant.
Coding change: c.2981T>C on transcript NM_001376.5 (MANE Select); coding-DNA position 2981, T replaced by C.
Protein change: p.Leu994Pro; replaces leucine 994 with proline.
Molecular consequence: missense variant.
Genome position (GRCh38, 1-based): chr14:101,991,639, T>C. VCF-style: chr14-101991639-T-C. GRCh37 (hg19) VCF-style: chr14-102457976-T-C.
Other names: short protein forms L994P.
Identifiers: ClinVar variation 1704916 (VCV001704916.4), dbSNP rs2503708427, ClinGen allele CA391030665.

ClinVar aggregate classification (germline): Uncertain significance. Review status: criteria provided, multiple submitters, no conflicts (2 of 4 stars). 2 submissions from 2 submitters: Uncertain significance (2). Last evaluated 2025-11-24.

Conditions:
Inborn genetic diseases. Identifiers: MedGen C0950123, MeSH D030342.

Allele frequency attached by ClinVar (database versions not stated): gnomAD exomes below 0.00001.
gnomAD v4.1: 1 of 1,614,234 alleles (0.000062%); highest among the groups gnomAD compares: Non-Finnish European, 0.000085%; no homozygotes.

Submissions (2):

Ambry Genetics
Classification: Uncertain significance for Inborn genetic diseases. Last evaluated: 2025-11-24. Review status: criteria provided, single submitter. Criteria: Ambry Variant Classification Scheme 2023. Collection method: clinical testing. Allele origin: germline.

GeneDx
Classification: Uncertain significance. Last evaluated: 2023-06-18. Review status: criteria provided, single submitter. Criteria: GeneDx Variant Classification Process June 2021. Collection method: clinical testing. Allele origin: germline. Affected: yes.
Comment: Not observed at significant frequency in large population cohorts (gnomAD); In silico analysis supports that this missense variant has a deleterious effect on protein structure/function; Has not been previously published as pathogenic or benign to our knowledge; This variant is associated with the following publications: (PMID: 26100331, 25512093, 25609763)